The following is an entry in ClinVar:

ClinVar aggregate classification (germline): Uncertain significance. Review status: criteria provided, multiple submitters, no conflicts (2 of 4 stars). 2 submissions from 2 submitters: Uncertain significance (2). Last evaluated 2024-06-20.

Conditions:
Progressive sclerosing poliodystrophy (MTDPS4A). Also called: Alpers Syndrome; ALPERS DIFFUSE DEGENERATION OF CEREBRAL GRAY MATTER WITH HEPATIC CIRRHOSIS; Mitochondrial DNA depletion syndrome 4A (Alpers type); NEURONAL DEGENERATION OF CHILDHOOD WITH LIVER DISEASE, PROGRESSIVE; Alpers-Huttenlocher Syndrome (AHS); Mitochondrial DNA Depletion Syndrome 4A. Identifiers: Orphanet 726, MedGen C0205710, MONDO:0008758, OMIM 203700.

Submissions (2):

Blueprint Genetics
Classification: Uncertain significance. Last evaluated: 2024-06-20. Review status: criteria provided, single submitter. Criteria: ACMG Guidelines, 2015. Collection method: clinical testing. Allele origin: germline.

Labcorp Genetics (formerly Invitae), Labcorp
Classification: Uncertain significance for Progressive sclerosing poliodystrophy. Last evaluated: 2021-04-01. Review status: criteria provided, single submitter. Criteria: Invitae Variant Classification Sherloc (09022015). Collection method: clinical testing. Allele origin: germline.
Comment: In summary, the available evidence is currently insufficient to determine the role of this variant in disease. Therefore, it has been classified as a Variant of Uncertain Significance. Algorithms developed to predict the effect of missense changes on protein structure and function are either unavailable or do not agree on the potential impact of this missense change (SIFT: "Deleterious"; PolyPhen-2: "Benign"; Align-GVGD: "Class C0"). This variant has not been reported in the literature in individuals with POLG-related conditions. The frequency data for this variant in the population databases is considered unreliable, as metrics indicate insufficient coverage at this position in the ExAC database. This sequence change replaces glutamine with arginine at codon 161 of the POLG protein (p.Gln161Arg). The glutamine residue is moderately conserved and there is a small physicochemical difference between glutamine and arginine.

NM_002693.3(POLG):c.482A>G (p.Gln161Arg)

Genes: POLG (DNA polymerase gamma, catalytic subunit; minus strand), POLGARF (POLG alternative reading frame; minus strand). Cytogenetic location: 15q26.1.
Variant type: single nucleotide variant.
Coding change: c.482A>G on transcript NM_002693.3 (MANE Select); coding-DNA position 482, A replaced by G.
Protein change: p.Gln161Arg; replaces glutamine 161 with arginine.
Molecular consequence: missense variant.
Genome position (GRCh38, 1-based): chr15:89,333,273, T>C on the plus strand (A>G on the coding strand, the complement: POLG is on the minus strand). VCF-style: chr15-89333273-T-C. GRCh37 (hg19) VCF-style: chr15-89876504-T-C.
Other names: c.482A>G, p.Gln161Arg (NM_001126131.2); short protein forms Q161R.
Identifiers: ClinVar variation 1421464 (VCV001421464.9), dbSNP rs2141814756, ClinGen allele CA393771372.